The following is an entry in ClinVar:

ClinVar aggregate classification (germline): Likely benign (1 of 4 stars; one submission).

Submission:

CeGaT Center for Human Genetics Tuebingen
Classification: Likely benign. Last evaluated: 2024-11-01. Review status: criteria provided, single submitter. Criteria: CeGaT Center For Human Genetics Tuebingen Variant Classification Criteria Version 2. Collection method: clinical testing. Allele origin: germline. Affected: yes. Observed: 1 variant allele.
Comment: LYST: PM2:Supporting, BP4, BP7

NM_000081.4(LYST):c.4624C>T (p.Leu1542=)

Gene: LYST (lysosomal trafficking regulator; minus strand). Cytogenetic location: 1q42.3.
Variant type: single nucleotide variant.
Coding change: c.4624C>T on transcript NM_000081.4 (MANE Select); coding-DNA position 4624, C replaced by T.
Protein change: p.Leu1542=; no amino-acid change (leucine 1542 retained).
Molecular consequence: synonymous variant.
Genome position (GRCh38, 1-based): chr1:235,788,765, G>A on the plus strand (C>T on the coding strand, the complement: LYST is on the minus strand). VCF-style: chr1-235788765-G-A. GRCh37 (hg19) VCF-style: chr1-235952065-G-A.
Other names: c.4624C>T, p.Leu1542= (NM_001301365.1).
Identifiers: ClinVar variation 3389905 (VCV003389905.14).
Genomic context (GRCh38, chr1:235,788,765, plus strand): 5'-AGATAAGAGTGGCATTGTGGGGATCAGCCCACACTTGGATCATCAACGCTTTGGATCCCA[G>A]TGAAATTATATGAATACATCCTTCTTCTATGAGTCTTTCACCAGGATTTATGTACTCTGC-3'
Protein context (NP_000072.2, residues 1532-1552): IEEGCIHIIS[Leu1542=]GSKALMIQVW